The following is an entry in ClinVar:

ClinVar aggregate classification (germline): Uncertain significance (1 of 4 stars; one submission).

gnomAD v4.1: 1 of 1,613,696 alleles (0.000062%); highest among the groups gnomAD compares: South Asian, 0.0011%; no homozygotes.

Submission:

GeneDx
Classification: Uncertain significance. Last evaluated: 2026-03-05. Review status: criteria provided, single submitter. Criteria: GeneDx Variant Classification Process June 2021. Collection method: clinical testing. Allele origin: germline.
Comment: Not observed at significant frequency in large population cohorts (gnomAD); In silico analysis supports that this missense variant has a deleterious effect on protein structure/function; Has not been previously published as pathogenic or benign to our knowledge

NM_015030.2(FRYL):c.8837C>T (p.Thr2946Ile)

Gene: FRYL (FRY like transcription coactivator; minus strand). Cytogenetic location: 4p11.
Variant type: single nucleotide variant.
Coding change: c.8837C>T on transcript NM_015030.2 (MANE Select); coding-DNA position 8837, C replaced by T.
Protein change: p.Thr2946Ile; replaces threonine 2946 with isoleucine.
Molecular consequence: missense variant.
Genome position (GRCh38, 1-based): chr4:48,499,627, G>A on the plus strand (C>T on the coding strand, the complement: FRYL is on the minus strand). VCF-style: chr4-48499627-G-A. GRCh37 (hg19) VCF-style: chr4-48501644-G-A.
Other names: short protein forms T2946I.
Identifiers: ClinVar variation 5008555 (VCV005008555.1).
Genomic context (GRCh38, chr4:48,499,627, plus strand): 5'-ATAACTGCAAAGCTTCCTGTCTGGCCCAGCGTCTGATGATGGAAATATATATGTAACAGT[G>A]TCTGTACAGGGTCATCTTCACAACTGCCAAAGATATCACTGGGCCAGAGAGATCTGAAAA-3'
Protein context (NP_055845.1, residues 2936-2956): FGSCEDDPVQ[Thr2946Ile]LLHIYFHHQT